The following is an entry in ClinVar:

NM_004370.6(COL12A1):c.7485T>A (p.Asn2495Lys)

Gene: COL12A1 (collagen type XII alpha 1 chain; minus strand). Cytogenetic location: 6q13.
Variant type: single nucleotide variant.
Coding change: c.7485T>A on transcript NM_004370.6 (MANE Select); coding-DNA position 7485, T replaced by A.
Protein change: p.Asn2495Lys; replaces asparagine 2495 with lysine.
Molecular consequence: missense variant.
Genome position (GRCh38, 1-based): chr6:75,117,416, A>T on the plus strand (T>A on the coding strand, the complement: COL12A1 is on the minus strand). VCF-style: chr6-75117416-A-T. GRCh37 (hg19) VCF-style: chr6-75827132-A-T.
Other names: c.3993T>A, p.Asn1331Lys (NM_080645.3); short protein forms N1331K, N2495K.
Identifiers: ClinVar variation 1017001 (VCV001017001.10), dbSNP rs777688811, ClinGen allele CA3892554.

ClinVar aggregate classification (germline): Conflicting classifications of pathogenicity. Review status: criteria provided, conflicting classifications (1 of 4 stars). 2 submissions from 2 submitters: Uncertain significance (1); Likely benign (1). Last evaluated 2026-05-29.

Conditions:
Ullrich congenital muscular dystrophy 2 (UCMD2). Identifiers: Orphanet 75840, MedGen C4225314, MONDO:0014654, OMIM 616470.
Bethlem myopathy 2 (BTHLM2). Identifiers: Orphanet 536516, Orphanet 610, MedGen C4225313, MONDO:0034022, OMIM 616471.

Allele frequency attached by ClinVar (database versions not stated): gnomAD exomes below 0.00001 and 0.00002; gnomAD 0.00001; TOPMed 0.00001; ExAC 0.00002.
gnomAD v4.1: 11 of 1,613,492 alleles (0.00068%); highest among the groups gnomAD compares: African/African-American, 0.0013%; no homozygotes.

Submissions (2):

Women's Health and Genetics/Laboratory Corporation of America, LabCorp
Classification: Uncertain significance. Last evaluated: 2026-05-29. Review status: criteria provided, single submitter. Criteria: LabCorp Variant Classification Summary - May 2015. Collection method: clinical testing. Allele origin: germline.
Comment: Variant summary: COL12A1 c.7485T>A (p.Asn2495Lys) results in a non-conservative amino acid change in the encoded protein sequence. Algorithms developed to predict the effect of missense changes on protein structure and function are either unavailable or do not agree on the potential impact of this missense change. The variant allele was found at a frequency of 1.6e-05 in 249000 control chromosomes. The available data on variant occurrences in the general population are insufficient to allow any conclusion about variant significance. To our knowledge, no occurrence of c.7485T>A in individuals affected with COL12A1-related conditions and no experimental evidence demonstrating its impact on protein function have been reported. ClinVar contains an entry for this variant (Variation ID: 1017001). Based on the evidence outlined above, the variant was classified as uncertain significance.

Labcorp Genetics (formerly Invitae), Labcorp
Classification: Likely benign for Bethlem myopathy 2; Ullrich congenital muscular dystrophy 2. Last evaluated: 2024-10-07. Review status: criteria provided, single submitter. Criteria: Invitae Variant Classification Sherloc (09022015). Collection method: clinical testing. Allele origin: germline.